The following is an entry in ClinVar:

NM_002047.4(GARS1):c.1751T>A (p.Ile584Asn)

Gene: GARS1 (glycyl-tRNA synthetase 1; plus strand). Cytogenetic location: 7p14.3.
Variant type: single nucleotide variant.
Coding change: c.1751T>A on transcript NM_002047.4 (MANE Select); coding-DNA position 1751, T replaced by A.
Protein change: p.Ile584Asn; replaces isoleucine 584 with asparagine.
Molecular consequence: missense variant.
Genome position (GRCh38, 1-based): chr7:30,628,611, T>A. VCF-style: chr7-30628611-T-A. GRCh37 (hg19) VCF-style: chr7-30668227-T-A.
Other names: c.1751T>A (LRG_243t1); c.1589T>A, p.Ile530Asn (NM_001316772.1); short protein forms I584N, I530N.
Identifiers: ClinVar variation 220645 (VCV000220645.17), dbSNP rs864622616, ClinGen allele CA348286.

ClinVar aggregate classification (germline): Uncertain significance. Review status: criteria provided, multiple submitters, no conflicts (2 of 4 stars). 4 submissions from 4 submitters: Uncertain significance (4). Last evaluated 2025-08-12.

Conditions:
Charcot-Marie-Tooth disease type 2. Also called: Charcot-Marie-Tooth type 2. Identifiers: Orphanet 64746, MedGen C0270914, MONDO:0018993.
GARS-Associated Axonal Neuropathy. Identifiers: MedGen CN118836.

Allele frequency attached by ClinVar (database versions not stated): gnomAD exomes below 0.00001; gnomAD 0.00002 and 0.00001; TOPMed 0.00002.
gnomAD v4.1: 9 of 1,613,124 alleles (0.00056%); highest among the groups gnomAD compares: Non-Finnish European, 0.00076%; no homozygotes.

Submissions (4):

Ambry Genetics
Classification: Uncertain significance. Last evaluated: 2025-08-12. Review status: criteria provided, single submitter. Criteria: Ambry Variant Classification Scheme 2023. Collection method: clinical testing. Allele origin: germline.

GeneDx
Classification: Uncertain significance. Last evaluated: 2025-02-19. Review status: criteria provided, single submitter. Criteria: GeneDx Variant Classification Process June 2021. Collection method: clinical testing. Allele origin: germline. Affected: yes.
Comment: Not observed at significant frequency in large population cohorts (gnomAD); In silico analysis supports that this missense variant has a deleterious effect on protein structure/function; Has not been previously published as pathogenic or benign to our knowledge; This variant is associated with the following publications: (PMID: 26503042, 26138142, 25168514)

Labcorp Genetics (formerly Invitae), Labcorp
Classification: Uncertain significance for Charcot-Marie-Tooth disease type 2. Last evaluated: 2025-01-25. Review status: criteria provided, single submitter. Criteria: Invitae Variant Classification Sherloc (09022015). Collection method: clinical testing. Allele origin: germline.
Comment: This sequence change replaces isoleucine, which is neutral and non-polar, with asparagine, which is neutral and polar, at codon 584 of the GARS protein (p.Ile584Asn). This variant is not present in population databases (gnomAD no frequency). This variant has not been reported in the literature in individuals affected with GARS-related conditions. ClinVar contains an entry for this variant (Variation ID: 220645). Invitae Evidence Modeling of protein sequence and biophysical properties (such as structural, functional, and spatial information, amino acid conservation, physicochemical variation, residue mobility, and thermodynamic stability) indicates that this missense variant is expected to disrupt GARS protein function with a positive predictive value of 95%. In summary, the available evidence is currently insufficient to determine the role of this variant in disease. Therefore, it has been classified as a Variant of Uncertain Significance.

Illumina Laboratory Services, Illumina
Classification: Uncertain significance for GARS-Associated Axonal Neuropathy. Last evaluated: 2019-11-05. Review status: criteria provided, single submitter. Criteria: ICSLVariantClassificationCriteria RUGD 01 April 2020. Collection method: clinical testing. Allele origin: unknown.
Comment: The GARS1 c.1751T>A (p.Ile584Asn) variant is a missense variant. A literature search was performed for the gene, cDNA change, and amino acid change. This variant is not found in the Genome Aggregation Database despite good sequence coverage, so the variant is presumed to be rare. Based on the limited evidence, the p.Ile584Asn variant is classified as a variant of unknown significance for GARS1-associated axonal neuropathy.